The following is an entry in ClinVar:

NM_000368.5(TSC1):c.3032C>A (p.Ala1011Glu)

Gene: TSC1 (TSC complex subunit 1; minus strand). Cytogenetic location: 9q34.13.
Variant type: single nucleotide variant.
Coding change: c.3032C>A on transcript NM_000368.5 (MANE Select); coding-DNA position 3032, C replaced by A.
Protein change: p.Ala1011Glu; replaces alanine 1011 with glutamic acid.
Molecular consequence: missense variant.
Genome position (GRCh38, 1-based): chr9:132,896,698, G>T on the plus strand (C>A on the coding strand, the complement: TSC1 is on the minus strand). VCF-style: chr9-132896698-G-T. GRCh37 (hg19) VCF-style: chr9-135772085-G-T.
Other names: c.3029C>A, p.Ala1010Glu (NM_001162426.2); c.2879C>A, p.Ala960Glu (NM_001162427.2); c.2669C>A, p.Ala890Glu (NM_001362177.2); short protein forms A1011E, A960E, A1010E, A890E.
Identifiers: ClinVar variation 207618 (VCV000207618.21), dbSNP rs796053449, ClinGen allele CA319255.

ClinVar aggregate classification (germline): Conflicting classifications of pathogenicity. Review status: criteria provided, conflicting classifications (1 of 4 stars). 5 submissions from 5 submitters: Uncertain significance (1); Benign (1); Likely benign (3). Last evaluated 2026-09-01.

Conditions:
Tuberous sclerosis syndrome (TSC). Also called: Tuberous sclerosis; Tuberous Sclerosis Complex. Identifiers: Orphanet 805, MedGen C0041341, MONDO:0001734.
Tuberous sclerosis 1 (TSC1). Identifiers: Orphanet 805, MedGen C1854465, MONDO:0008612, OMIM 191100.
Hereditary cancer-predisposing syndrome. Also called: Neoplastic Syndromes, Hereditary; Tumor predisposition; Hereditary Cancer Syndrome; Hereditary neoplastic syndrome. Identifiers: Orphanet 140162, MedGen C0027672, MeSH D009386, MONDO:0015356.

Allele frequency attached by ClinVar (database versions not stated): TOPMed below 0.00001; gnomAD 0.00001; gnomAD exomes 0.00002.

Submissions (5):

CeGaT Center for Human Genetics Tuebingen
Classification: Uncertain significance. Last evaluated: 2026-09-01. Review status: criteria provided, single submitter. Criteria: CeGaT Center For Human Genetics Tuebingen Variant Classification Criteria Version 2. Collection method: clinical testing. Allele origin: germline. Affected: yes. Observed: 1 variant allele.
Comment: TSC1: PP2, BP4

Labcorp Genetics (formerly Invitae), Labcorp
Classification: Benign for Tuberous sclerosis 1. Last evaluated: 2026-01-13. Review status: criteria provided, single submitter. Criteria: Invitae Variant Classification Sherloc (09022015). Collection method: clinical testing. Allele origin: germline.

Color Diagnostics, LLC DBA Color Health
Classification: Likely benign for Tuberous sclerosis syndrome. Last evaluated: 2025-08-28. Review status: criteria provided, single submitter. Criteria: ACMG Guidelines, 2015. Collection method: clinical testing. Allele origin: germline.

Genome-Nilou Lab
Classification: Likely benign for Tuberous sclerosis 1. Last evaluated: 2021-11-07. Review status: criteria provided, single submitter. Criteria: ACMG Guidelines, 2015. Collection method: clinical testing. Allele origin: germline. Affected: no.

Ambry Genetics
Classification: Likely benign for Hereditary cancer-predisposing syndrome. Last evaluated: 2021-10-07. Review status: criteria provided, single submitter. Criteria: Ambry Variant Classification Scheme 2023. Collection method: clinical testing. Allele origin: germline.

Literature cited by the submitters: PubMed 31484976 (cited by Ambry Genetics).